The following is an entry in ClinVar:

NM_000038.6(APC):c.3224dup (p.Tyr1075Ter)

Gene: APC (APC regulator of Wnt signaling pathway; plus strand). Cytogenetic location: 5q22.2.
Variant type: Duplication.
Coding change: c.3224dup on transcript NM_000038.6 (MANE Select); coding-DNA position 3224, one base duplicated (A; older notation c.3224dupA).
Protein change: p.Tyr1075Ter; replaces tyrosine 1075 with a stop codon.
Molecular consequence: nonsense.
Genome position (GRCh38, 1-based): chr5:112,838,818, A duplicated. VCF-style (leftmost placement, unchanged base first): chr5-112838817-T-TA. GRCh37 (hg19) VCF-style: chr5-112174514-T-TA.
Other names: c.3224dup, p.Tyr1075Ter (NM_001127510.3, NM_001354895.2); c.3170dup, p.Tyr1057Ter (NM_001127511.3); c.3278dup, p.Tyr1093Ter (NM_001354896.2); c.3254dup, p.Tyr1085Ter (NM_001354897.2); c.3149dup, p.Tyr1050Ter (NM_001354898.2); c.3140dup, p.Tyr1047Ter (NM_001354899.2); c.3101dup, p.Tyr1034Ter (NM_001354900.2); c.3047dup, p.Tyr1016Ter (NM_001354901.2); and 5 more; short protein forms Y1016*, Y1034*, Y1047*, Y1050*, Y1057*, Y1075*, Y1085*, Y1093*.
Identifiers: ClinVar variation 993152 (VCV000993152.3), dbSNP rs1765368437, ClinGen allele CA658760892.

ClinVar aggregate classification (germline): Pathogenic. Review status: criteria provided, multiple submitters, no conflicts (2 of 4 stars). 2 submissions from 2 submitters: Pathogenic (2). Last evaluated 2023-05-08.

Conditions:
Familial adenomatous polyposis 1 (FAP1). Also called: POLYPOSIS, ADENOMATOUS INTESTINAL; FAMILIAL ADENOMATOUS POLYPOSIS 1, ATTENUATED. Identifiers: MedGen C2713442, MONDO:0021056, OMIM 175100. Disease mechanism: loss of function.

Submissions (2):

Myriad Genetics, Inc.
Classification: Pathogenic for Familial adenomatous polyposis 1. Last evaluated: 2023-05-08. Review status: criteria provided, single submitter. Criteria: Myriad Autosomal Dominant, Autosomal Recessive and X-Linked Classification Criteria (2023). Collection method: clinical testing. Allele origin: unknown.
Comment: This variant is considered pathogenic. This variant creates a termination codon and is predicted to result in premature protein truncation.

Quest Diagnostics Nichols Institute San Juan Capistrano
Classification: Pathogenic. Last evaluated: 2019-12-23. Review status: criteria provided, single submitter. Criteria: Quest Diagnostics criteria. Collection method: clinical testing. Allele origin: unknown.
Comment: The variant results in a shift of the reading frame, and is therefore predicted to result in the loss of a functional protein. Found in at least one patient with expected phenotype for this gene, and not found in general population data.

Literature cited by the submitters: PubMed 28127413 (cited by Quest Diagnostics Nichols Institute San Juan Capistrano); PubMed 15857185 (cited by Quest Diagnostics Nichols Institute San Juan Capistrano).